The following is an entry in ClinVar:

NM_001267550.2(TTN):c.33173-1G>A

Gene: TTN (titin; minus strand). Cytogenetic location: 2q31.2.
Variant type: single nucleotide variant.
Coding change: c.33173-1G>A on transcript NM_001267550.2 (MANE Select); the canonical splice acceptor site of the intron before coding-DNA position 33173, G replaced by A.
Molecular consequence: splice acceptor variant. On other transcripts: intron variant (3).
Genome position (GRCh38, 1-based): chr2:178,681,451, C>T on the plus strand (G>A on the coding strand, the complement: TTN is on the minus strand). VCF-style: chr2-178681451-C-T. GRCh37 (hg19) VCF-style: chr2-179546178-C-T.
Other names: c.13283-39134G>A (NM_003319.4); c.13859-39134G>A (NM_133437.4); c.13658-39134G>A (NM_133432.3); c.29441-1G>A (NM_133378.4); c.32222-1G>A (NM_001256850.1); c.33173-1G>A (NM_001267550.1).
Identifiers: ClinVar variation 202359 (VCV000202359.10), dbSNP rs794729256, ClinGen allele CA309196.

ClinVar aggregate classification (germline): Conflicting classifications of pathogenicity. Review status: criteria provided, conflicting classifications (1 of 4 stars). 3 submissions from 3 submitters: Likely pathogenic (1); Uncertain significance (2). Last evaluated 2024-10-28.

Conditions:
Dilated cardiomyopathy 1G (CMD1G). Identifiers: Orphanet 154, MedGen C1858763, MONDO:0011400, OMIM 604145.
Autosomal recessive limb-girdle muscular dystrophy type 2J (LGMDR10). Also called: MUSCULAR DYSTROPHY, LIMB-GIRDLE, AUTOSOMAL RECESSIVE 10; Limb-girdle muscular dystrophy, type 2J. Identifiers: Orphanet 140922, MedGen C1837342, MONDO:0012127, OMIM 608807.
Tibial muscular dystrophy (TMD). Also called: Udd Distal Myopathy – Tibial Muscular Dystrophy; Tibial muscular dystrophy, tardive; UDD MYOPATHY. Identifiers: Orphanet 609, MedGen C1838244, MONDO:0010870, OMIM 600334.
Myopathy, myofibrillar, 9, with early respiratory failure (MFM9). Also called: Hereditary myopathy with early respiratory failure; EDSTROM MYOPATHY; Myopathy, distal, with early respiratory failure, autosomal dominant; MYOPATHY, PROXIMAL, WITH EARLY RESPIRATORY MUSCLE INVOLVEMENT. Identifiers: Orphanet 178464, Orphanet 34521, MedGen C1863599, MONDO:0011362, OMIM 603689.
Early-onset myopathy with fatal cardiomyopathy (CMYO5). Also called: CONGENITAL MYOPATHY 5 WITH CARDIOMYOPATHY; Salih Myopathy. Identifiers: Orphanet 289377, MedGen C2673677, MONDO:0012714, OMIM 611705. Disease mechanism: loss of function.

gnomAD v4.1: 1 of 1,602,462 alleles (0.000062%); no homozygotes.

Submissions (3):

Labcorp Genetics (formerly Invitae), Labcorp
Classification: Likely pathogenic for Dilated cardiomyopathy 1G; Autosomal recessive limb-girdle muscular dystrophy type 2J. Last evaluated: 2024-10-28. Review status: criteria provided, single submitter. Criteria: Invitae Variant Classification Sherloc (09022015). Collection method: clinical testing. Allele origin: germline.
Comment: This sequence change affects an acceptor splice site in intron 136 of the TTN gene. It is expected to disrupt RNA splicing and likely results in a truncated or disrupted TTN protein. This variant is not present in population databases (gnomAD no frequency). This variant has not been reported in the literature in individuals affected with TTN-related conditions. ClinVar contains an entry for this variant (Variation ID: 202359). Algorithms developed to predict the effect of sequence changes on RNA splicing suggest that this variant may disrupt the consensus splice site. This variant is located in the I band of TTN (PMID: 25589632). Truncating variants in this region have been reported in individuals affected with autosomal recessive centronuclear myopathy (PMID: 23975875, internal data). Truncating variants in this region have also been identified in individuals affected with autosomal dominant dilated cardiomyopathy and/or cardio-related conditions (PMID: 27869827, 32964742, internal data). In summary, the currently available evidence indicates that the variant is pathogenic, but additional data are needed to prove that conclusively. Therefore, this variant has been classified as Likely Pathogenic.

Clinical Genomics Laboratory, Stanford Medicine
Classification: Uncertain significance for Dilated cardiomyopathy 1G; Tibial muscular dystrophy; Autosomal recessive limb-girdle muscular dystrophy type 2J; Myopathy, myofibrillar, 9, with early respiratory failure; Early-onset myopathy with fatal cardiomyopathy. Last evaluated: 2023-01-23. Review status: criteria provided, single submitter. Criteria: ACMG Guidelines, 2015. Collection method: clinical testing. Allele origin: germline. Observed: 1 variant allele, 1 heterozygote.
Comment: The c.33173-1G>A variant in the TTN gene has not been previously reported in association with disease. This variant was absent from large population databases, including the Genome Aggregation Database. This variant is present in ClinVar (VCV000202359.9). This variant alters the canonical 3’ acceptor splice site in intron 136, which is predicted to result in abnormal gene splicing. The c.33173-1G>A variant is located in the I-band of the titin protein. Loss-of-function variants in the I-band currently do not have a definitively established association with disease; however, truncating variants in the Iband have been described in association with autosomal recessive TTN-related myopathies (Rees et al., 2021). These data were assessed using the ACMG/AMP variant interpretation guidelines. In summary, the significance of the c.33173-1G>A variant is uncertain. Additional information is needed to resolve the significance of this variant. [ACMG evidence codes used: PVS1_Moderate; PM2]

GeneDx
Classification: Uncertain significance. Last evaluated: 2019-10-10. Review status: criteria provided, single submitter. Criteria: GeneDx Variant Classification Process June 2021. Collection method: clinical testing. Allele origin: germline. Affected: yes.
Comment: Not observed in large population cohorts (Lek et al., 2016); Canonical splice site variant predicted to result in an in-frame deletion of exon 135;; Has not been previously published as pathogenic or benign to our knowledge

Literature cited by the submitters: PubMed 25589632 (cited by Labcorp Genetics (formerly Invitae), Labcorp); PubMed 23975875 (cited by Labcorp Genetics (formerly Invitae), Labcorp); PubMed 27869827 (cited by Labcorp Genetics (formerly Invitae), Labcorp); PubMed 32964742 (cited by Labcorp Genetics (formerly Invitae), Labcorp); PubMed 33449170 (cited by Clinical Genomics Laboratory, Stanford Medicine).